The following is an entry in ClinVar:

NM_176787.5(PIGN):c.685C>G (p.His229Asp)

Gene: PIGN (phosphatidylinositol glycan anchor biosynthesis class N; minus strand). Cytogenetic location: 18q21.33.
Variant type: single nucleotide variant.
Coding change: c.685C>G on transcript NM_176787.5 (MANE Select); coding-DNA position 685, C replaced by G.
Protein change: p.His229Asp; replaces histidine 229 with aspartic acid.
Molecular consequence: missense variant.
Genome position (GRCh38, 1-based): chr18:62,147,091, G>C on the plus strand (C>G on the coding strand, the complement: PIGN is on the minus strand). VCF-style: chr18-62147091-G-C. GRCh37 (hg19) VCF-style: chr18-59814324-G-C.
Other names: c.685C>G, p.His229Asp (NM_012327.6); short protein forms H229D.
Identifiers: ClinVar variation 403308 (VCV000403308.26), dbSNP rs9320001, ClinGen allele CA8982524.
Genomic context (GRCh38, chr18:62,147,091, plus strand): 5'-AGAAGTGGTTAAACATAGACACGATTTCTTTAACTCCATCATCAACTTTTTTAATATTGT[G>C]CTTGTAGTCTCTATTTGTAAAGAAACAGAGGAACAAATTAAATTAATTTGGAGAAATCAA-3'
Protein context (NP_789744.1, residues 219-239): AHRPSSRDYK[His229Asp]NIKKVDDGVK

ClinVar aggregate classification (germline): Benign/Likely benign. Review status: criteria provided, multiple submitters, no conflicts (2 of 4 stars). 12 submissions from 12 submitters: Benign (9); Likely benign (1). 2 of the submissions do not count toward it. Last evaluated 2026-06-19.

Conditions:
Inborn genetic diseases. Identifiers: MedGen C0950123, MeSH D030342.
Multiple congenital anomalies-hypotonia-seizures syndrome 1 (MCAHS1). Also called: PIGN-CDG; Congenital disorder of glycosylation due to PIGN deficiency; GLYCOSYLPHOSPHATIDYLINOSITOL BIOSYNTHESIS DEFECT 3. Identifiers: Orphanet 280633, MedGen C3279775, MONDO:0013563, OMIM 614080.

Allele frequency attached by ClinVar (database versions not stated): gnomAD exomes 0.76143 and 0.78814; ExAC 0.78454; ESP Exome Variant Server 0.79099; gnomAD 0.79552 and 0.79860; TOPMed 0.80649; 1000 Genomes Project 0.84724; 1000 Genomes Project 30x 0.84760.
gnomAD v4.1: 1,215,278 of 1,587,026 alleles (77%); highest among the groups gnomAD compares: East Asian, 88%; 468,501 homozygotes.

Submissions (12):

Women's Health and Genetics/Laboratory Corporation of America, LabCorp
Classification: Benign. Last evaluated: 2026-06-19. Review status: criteria provided, single submitter. Criteria: LabCorp Variant Classification Summary - May 2015. Collection method: clinical testing. Allele origin: germline.

Labcorp Genetics (formerly Invitae), Labcorp
Classification: Benign for Multiple congenital anomalies-hypotonia-seizures syndrome 1. Last evaluated: 2026-02-04. Review status: criteria provided, single submitter. Criteria: Invitae Variant Classification Sherloc (09022015). Collection method: clinical testing. Allele origin: germline.

Blueprint Genetics
Classification: Likely benign. Last evaluated: 2024-11-28. Review status: criteria provided, single submitter. Criteria: ACMG Guidelines, 2015. Collection method: clinical testing. Allele origin: germline.

Mayo Clinic Laboratories, Mayo Clinic
Classification: Benign. Last evaluated: 2021-11-29. Review status: criteria provided, single submitter. Criteria: ACMG Guidelines, 2015. Collection method: clinical testing. Allele origin: germline. Observed: 282 variant alleles.

Genome-Nilou Lab
Classification: Benign for Multiple congenital anomalies-hypotonia-seizures syndrome 1. Last evaluated: 2021-09-05. Review status: criteria provided, single submitter. Criteria: ACMG Guidelines, 2015. Collection method: clinical testing. Allele origin: germline. Affected: no.

Mendelics
Classification: Benign for Multiple congenital anomalies-hypotonia-seizures syndrome 1. Last evaluated: 2019-05-28. Review status: criteria provided, single submitter. Criteria: Mendelics Assertion Criteria 2017. Collection method: clinical testing. Allele origin: unknown.

Laboratory for Molecular Medicine, Mass General Brigham Personalized Medicine
Classification: Benign. Last evaluated: 2016-03-29. Review status: criteria provided, single submitter. Criteria: LMM Criteria. Collection method: clinical testing. Allele origin: germline.
Comment: Variant identified in a genome or exome case(s) and assessed due to predicted null impact of the variant or pathogenic assertions in the literature or databases. Disclaimer: This variant has not undergone full assessment. The following are preliminary notes: Frequency

Ambry Genetics
Classification: Benign for Inborn genetic diseases. Last evaluated: 2016-03-11. Review status: criteria provided, single submitter. Criteria: Ambry Variant Classification Scheme 2023. Collection method: clinical testing. Allele origin: germline.

GeneDx
Classification: Benign. Last evaluated: 2015-03-03. Review status: criteria provided, single submitter. Criteria: GeneDx Variant Classification Process June 2021. Collection method: clinical testing. Allele origin: germline. Affected: yes.

Breakthrough Genomics
Classification: Benign. Review status: criteria provided, single submitter. Criteria: ACMG Guidelines, 2015. Collection method: not provided. Allele origin: germline. Inheritance: Autosomal recessive inheritance. Affected: yes.

Diagnostic Laboratory, Department of Genetics, University Medical Center Groningen
Classification: Benign for Multiple congenital anomalies-hypotonia-seizures syndrome 1. Review status: no assertion criteria provided. Collection method: clinical testing. Allele origin: germline. Affected: yes. Study: VKGL Data-share Consensus. Not counted in ClinVar's aggregate classification.

Genome Diagnostics Laboratory, University Medical Center Utrecht
Classification: Benign. Review status: no assertion criteria provided. Collection method: clinical testing. Allele origin: germline. Affected: yes. Study: VKGL Data-share Consensus. Not counted in ClinVar's aggregate classification.